The following is an entry in ClinVar:

NM_006197.4(PCM1):c.4257A>G (p.Arg1419=)

Gene: PCM1 (pericentriolar material 1; plus strand). Cytogenetic location: 8p22.
Variant type: single nucleotide variant.
Coding change: c.4257A>G on transcript NM_006197.4 (MANE Select); coding-DNA position 4257, A replaced by G.
Protein change: p.Arg1419=; no amino-acid change (arginine 1419 retained).
Molecular consequence: synonymous variant. On other transcripts: non-coding transcript variant (1).
Genome position (GRCh38, 1-based): chr8:17,985,595, A>G. VCF-style: chr8-17985595-A-G. GRCh37 (hg19) VCF-style: chr8-17843104-A-G.
Other names: c.4257A>G, p.Arg1419= (NM_001315507.2, NM_001352634.2, NM_001352652.2 and 3 more transcripts); c.4095A>G, p.Arg1365= (NM_001315508.2, NM_001352640.2, NM_001352648.2 and 1 more transcripts); c.4374A>G, p.Arg1458= (NM_001352632.2, NM_001352643.2, NM_001352650.2 and 1 more transcripts); c.4395A>G, p.Arg1465= (NM_001352633.2); c.4260A>G, p.Arg1420= (NM_001352635.2); c.4212A>G, p.Arg1404= (NM_001352636.2); c.4209A>G, p.Arg1403= (NM_001352637.2, NM_001352638.2); c.4092A>G, p.Arg1364= (NM_001352639.2, NM_001352641.2, NM_001352642.2 and 7 more transcripts).
Identifiers: ClinVar variation 2658452 (VCV002658452.24), dbSNP rs760570233, ClinGen allele CA4649730.

ClinVar aggregate classification (germline): Likely benign (1 of 4 stars; one submission).

gnomAD v4.1: 16 of 1,607,648 alleles (0.001%); highest among the groups gnomAD compares: Middle Eastern, 0.017%; no homozygotes.

Submission:

CeGaT Center for Human Genetics Tuebingen
Classification: Likely benign. Last evaluated: 2023-02-01. Review status: criteria provided, single submitter. Criteria: CeGaT Center For Human Genetics Tuebingen Variant Classification Criteria Version 2. Collection method: clinical testing. Allele origin: germline. Affected: yes. Observed: 2 variant alleles.
Comment: PCM1: BP4, BP7